The following is an entry in ClinVar:

ClinVar aggregate classification (germline): Uncertain significance (1 of 4 stars; one submission).

Conditions:
Galactosylceramide beta-galactosidase deficiency. Also called: Krabbe Disease; Leukodystrophy, Globoid Cell; GALACTOCEREBROSIDASE DEFICIENCY; GALC DEFICIENCY; GLOBOID CELL LEUKOENCEPHALOPATHY. Identifiers: Orphanet 487, MedGen C0023521, MONDO:0009499, OMIM 245200.

Allele frequency attached by ClinVar (database versions not stated): ESP Exome Variant Server 0.00008.

Submission:

Labcorp Genetics (formerly Invitae), Labcorp
Classification: Uncertain significance for Galactosylceramide beta-galactosidase deficiency. Last evaluated: 2021-09-01. Review status: criteria provided, single submitter. Criteria: Invitae Variant Classification Sherloc (09022015). Collection method: clinical testing. Allele origin: germline.
Comment: This sequence change replaces glycine with alanine at codon 128 of the GALC protein (p.Gly128Ala). The glycine residue is highly conserved and there is a small physicochemical difference between glycine and alanine. This variant is not present in population databases (ExAC no frequency). This variant has not been reported in the literature in individuals affected with GALC-related conditions. Algorithms developed to predict the effect of missense changes on protein structure and function are either unavailable or do not agree on the potential impact of this missense change (SIFT: "Deleterious"; PolyPhen-2: "Probably Damaging"; Align-GVGD: "Class C0"). In summary, the available evidence is currently insufficient to determine the role of this variant in disease. Therefore, it has been classified as a Variant of Uncertain Significance.

NM_000153.4(GALC):c.383G>C (p.Gly128Ala)

Gene: GALC (galactosylceramidase; minus strand). Cytogenetic location: 14q31.3.
Variant type: single nucleotide variant.
Coding change: c.383G>C on transcript NM_000153.4 (MANE Select); coding-DNA position 383, G replaced by C.
Protein change: p.Gly128Ala; replaces glycine 128 with alanine.
Molecular consequence: missense variant.
Genome position (GRCh38, 1-based): chr14:87,986,548, C>G on the plus strand (G>C on the coding strand, the complement: GALC is on the minus strand). VCF-style: chr14-87986548-C-G. GRCh37 (hg19) VCF-style: chr14-88452892-C-G.
Other names: c.314G>C, p.Gly105Ala (NM_001201401.2); c.305G>C, p.Gly102Ala (NM_001201402.2); short protein forms G128A, G102A, G105A.
Identifiers: ClinVar variation 655013 (VCV000655013.6), dbSNP rs367604629, ClinGen allele CA264711521.
Genomic context (GRCh38, chr14:87,986,548, plus strand): 5'-CCAATGAGTGTAATATTGGGATTCCTCTTCTTAGCTTCTTTCATCAACCACCACTCGTAT[C>G]CTCGGAAATAATTCTCATCTAGTGCATAATGCATGTGGGAGGGCTCAGTGCCGTCTGAAT-3'
Protein context (NP_000144.2, residues 118-138): HYALDENYFR[Gly128Ala]YEWWLMKEAK